The following is an entry in ClinVar:

ClinVar aggregate classification (germline): Conflicting classifications of pathogenicity. Review status: criteria provided, conflicting classifications (1 of 4 stars). 4 submissions from 4 submitters: Pathogenic (1); Uncertain significance (3). Last evaluated 2026-03-09.

Conditions:
CHARGE syndrome (CHARGE). Also called: Hittner Hirsch Kreh syndrome; Coloboma, heart anomaly, choanal atresia, retardation, genital and ear anomalies; CHARGE association; Hall-Hittner syndrome; CHARGE ASSOCIATION--COLOBOMA, HEART ANOMALY, CHOANAL ATRESIA, RETARDATION, GENITAL AND EAR ANOMALIES. Identifiers: Orphanet 138, MedGen C0265354, MONDO:0008965.
Structural eye disease.
Inborn genetic diseases. Identifiers: MedGen C0950123, MeSH D030342.

Submissions (4):

Genetics Laboratory, Great Ormond Street Hospital NHS Foundation Trust, North Thames Genomic Laboratory Hub
Classification: Uncertain significance for Structural eye disease. Last evaluated: 2026-03-09. Review status: criteria provided, single submitter. Criteria: ACGS Best Practice Guidelines for Variant Classification in Rare Disease 2024 v1.2. Collection method: clinical testing. Allele origin: germline. Affected: yes.
Comment: PM2_moderate, PP3_supporting, PM6_supporting

Labcorp Genetics (formerly Invitae), Labcorp
Classification: Pathogenic for CHARGE syndrome. Last evaluated: 2025-01-23. Review status: criteria provided, single submitter. Criteria: Invitae Variant Classification Sherloc (09022015). Collection method: clinical testing. Allele origin: germline.
Comment: This sequence change replaces glycine, which is neutral and non-polar, with arginine, which is basic and polar, at codon 1797 of the CHD7 protein (p.Gly1797Arg). This variant is not present in population databases (gnomAD no frequency). This missense change has been observed in individual(s) with clinical features of CHARGE syndrome (internal data). In at least one individual the variant was observed to be de novo. ClinVar contains an entry for this variant (Variation ID: 581739). Invitae Evidence Modeling of protein sequence and biophysical properties (such as structural, functional, and spatial information, amino acid conservation, physicochemical variation, residue mobility, and thermodynamic stability) indicates that this missense variant is expected to disrupt CHD7 protein function with a positive predictive value of 95%. For these reasons, this variant has been classified as Pathogenic.

3billion
Classification: Uncertain significance for CHD7-related CHARGE syndrome. Last evaluated: 2024-11-17. Review status: criteria provided, single submitter. Criteria: ACMG Guidelines, 2015. Collection method: clinical testing. Allele origin: germline. Affected: yes.
Comment: The variant is not observed in the gnomAD v4.1.0 dataset. Predicted Consequence/Location: Missense variant In silico tool predictions suggest damaging effect of the variant on gene or gene product [REVEL: 0.87 (>=0.6, sensitivity 0.68 and specificity 0.92); 3Cnet: 0.85 (>=0.6, sensitivity 0.72 and precision 0.9)]. The same nucleotide change resulting in the same amino acid change has been previously reported to be associated with CHD7 related disorder (ClinVar ID: VCV000581739).Different missense changes at the same codon (p.Gly1797Ala, p.Gly1797Val) have been reported as pathogenic/likely pathogenic with strong evidence (ClinVar ID: VCV000363466 /PMID: 22461308). However the evidence of pathogenicity is insufficient at this time. Therefore, this variant is classified as VUS according to the recommendation of ACMG/AMP guideline.

Ambry Genetics
Classification: Uncertain significance for Inborn genetic diseases. Last evaluated: 2014-07-14. Review status: criteria provided, single submitter. Criteria: Ambry Variant Classification Scheme 2023. Collection method: clinical testing. Allele origin: germline.
Comment: The p.G1797R variant (also known as c.5389G>A), located in coding exon 24 of the CHD7 gene, results from a G to A substitution at nucleotide position 5389. The glycine at codon 1797 is replaced by arginine, an amino acid with dissimilar properties. This variant was not reported in population based cohorts in the following databases: Database of Single Nucleotide Polymorphisms (dbSNP), NHLBI Exome Sequencing Project (ESP), and 1000 Genomes Project. In the ESP, this variant was not observed in 6011 samples (12022 alleles) with coverage at this position. This amino acid position is completely conserved on sequence alignment in available vertebrate species. In addition, this alteration is predicted to be deleterious by in silico analysis. Since supporting evidence is limited at this time, the clinical significance of this variant remains unclear.

Literature cited by the submitters: PubMed 22461308 (cited by 3billion and Ambry Genetics).

NM_017780.4(CHD7):c.5389G>A (p.Gly1797Arg)

Gene: CHD7 (chromodomain helicase DNA binding protein 7; plus strand). Cytogenetic location: 8q12.2.
Variant type: single nucleotide variant.
Coding change: c.5389G>A on transcript NM_017780.4 (MANE Select); coding-DNA position 5389, G replaced by A.
Protein change: p.Gly1797Arg; replaces glycine 1797 with arginine.
Molecular consequence: missense variant. On other transcripts: intron variant (1).
Genome position (GRCh38, 1-based): chr8:60,849,139, G>A. VCF-style: chr8-60849139-G-A. GRCh37 (hg19) VCF-style: chr8-61761698-G-A.
Other names: c.1717-13090G>A (NM_001316690.1); short protein forms G1797R.
Identifiers: ClinVar variation 581739 (VCV000581739.13), dbSNP rs1563656016, ClinGen allele CA371321302.